The following is an entry in ClinVar:

ClinVar aggregate classification (germline): Uncertain significance (1 of 4 stars; one submission).

Allele frequency attached by ClinVar (database versions not stated): ExAC 0.00002; gnomAD exomes 0.00002 and 0.00008; gnomAD 0.00021 and 0.00023; TOPMed 0.00030.
gnomAD v4.1: 57 of 1,614,066 alleles (0.0035%); highest among the groups gnomAD compares: Admixed American, 0.082%; no homozygotes.

Submission:

Labcorp Genetics (formerly Invitae), Labcorp
Classification: Uncertain significance. Last evaluated: 2022-08-09. Review status: criteria provided, single submitter. Criteria: Invitae Variant Classification Sherloc (09022015). Collection method: clinical testing. Allele origin: germline.
Comment: This sequence change replaces glutamic acid, which is acidic and polar, with lysine, which is basic and polar, at codon 438 of the IFNAR2 protein (p.Glu438Lys). This variant is present in population databases (rs755448797, gnomAD 0.06%). This variant has not been reported in the literature in individuals affected with IFNAR2-related conditions. ClinVar contains an entry for this variant (Variation ID: 1499940). Algorithms developed to predict the effect of missense changes on protein structure and function (SIFT, PolyPhen-2, Align-GVGD) all suggest that this variant is likely to be tolerated. In summary, the available evidence is currently insufficient to determine the role of this variant in disease. Therefore, it has been classified as a Variant of Uncertain Significance.

NM_001289125.3(IFNAR2):c.1312G>A (p.Glu438Lys)

Genes: IFNAR2 (interferon alpha and beta receptor subunit 2; plus strand), IFNAR2-IL10RB (IFNAR2-IL10RB readthrough; plus strand). Cytogenetic location: 21q22.11.
Variant type: single nucleotide variant.
Coding change: c.1312G>A on transcript NM_001289125.3 (MANE Select); coding-DNA position 1312, G replaced by A.
Protein change: p.Glu438Lys; replaces glutamic acid 438 with lysine.
Molecular consequence: missense variant. On other transcripts: 3 prime UTR variant (5).
Genome position (GRCh38, 1-based): chr21:33,263,264, G>A. VCF-style: chr21-33263264-G-A. GRCh37 (hg19) VCF-style: chr21-34635569-G-A.
Other names: c.*548G>A (NM_000874.5, NM_207584.3); c.*461G>A (NM_001289126.2, NM_001289128.2); c.*687G>A (NM_001385054.1); c.1312G>A, p.Glu438Lys (NM_001385055.1, NM_207585.3); short protein forms E438K.
Identifiers: ClinVar variation 1499940 (VCV001499940.5), dbSNP rs755448797, ClinGen allele CA10005962.